The following is an entry in ClinVar:

ClinVar aggregate classification (germline): Likely benign (1 of 4 stars; one submission).

Conditions:
LTBP4-related disorder. Also called: LTBP4-related condition.

Submission:

PreventionGenetics, part of Exact Sciences
Classification: Likely benign for LTBP4-related condition. Last evaluated: 2025-03-12. Review status: criteria provided, single submitter. Criteria: ACMG Guidelines, 2015. Collection method: clinical testing. Allele origin: germline.
Comment: This variant is classified as likely benign based on ACMG/AMP sequence variant interpretation guidelines (Richards et al. 2015 PMID: 25741868, with internal and published modifications).

NM_003573.2(LTBP4):c.16+6T>C

Gene: LTBP4 (latent transforming growth factor beta binding protein 4; plus strand). Cytogenetic location: 19q13.2.
Variant type: single nucleotide variant.
Coding change: c.16+6T>C on transcript NM_003573.2; 6 bases into the intron after coding-DNA position 16, T replaced by C.
Molecular consequence: intron variant.
Genome position (GRCh38, 1-based): chr19:40,593,187, T>C. VCF-style: chr19-40593187-T-C. GRCh37 (hg19) VCF-style: chr19-41099093-T-C.
Identifiers: ClinVar variation 4997386 (VCV004997386.1).